The following is an entry in ClinVar:

NM_004415.4(DSP):c.1904T>C (p.Val635Ala)

Gene: DSP (desmoplakin; plus strand). Cytogenetic location: 6p24.3.
Variant type: single nucleotide variant.
Coding change: c.1904T>C on transcript NM_004415.4 (MANE Select); coding-DNA position 1904, T replaced by C.
Protein change: p.Val635Ala; replaces valine 635 with alanine.
Molecular consequence: missense variant.
Genome position (GRCh38, 1-based): chr6:7,571,842, T>C. VCF-style: chr6-7571842-T-C. GRCh37 (hg19) VCF-style: chr6-7572075-T-C.
Other names: c.1904T>C, p.Val635Ala (NM_001008844.3, NM_001319034.2); short protein forms V635A.
Identifiers: ClinVar variation 2923869 (VCV002923869.5), dbSNP rs900863472, ClinGen allele CA133960277.

ClinVar aggregate classification (germline): Uncertain significance. Review status: criteria provided, multiple submitters, no conflicts (2 of 4 stars). 3 submissions from 3 submitters: Uncertain significance (3). Last evaluated 2026-05-12.

Conditions:
Cardiovascular phenotype. Identifiers: MedGen CN230736.
Arrhythmogenic cardiomyopathy with wooly hair and keratoderma. Also called: Dilated cardiomyopathy with woolly hair and keratoderma; Carvajal syndrome; Arrhythmogenic cardiomyopathy with woolly hair and keratoderma; PALMOPLANTAR KERATODERMA WITH LEFT VENTRICULAR CARDIOMYOPATHY AND WOOLLY HAIR. Identifiers: Orphanet 65282, MedGen C1854063, MONDO:0011581, OMIM 605676.
Arrhythmogenic right ventricular dysplasia 8 (ARVD8). Also called: ARRHYTHMOGENIC RIGHT VENTRICULAR DYSPLASIA, FAMILIAL, 8; ARRHYTHMOGENIC RIGHT VENTRICULAR CARDIOMYOPATHY 8; Arrhythmogenic Right Ventricular Dysplasia/Cardiomyopathy 8. Identifiers: MedGen C1843896, MONDO:0011831, OMIM 607450.

Allele frequency attached by ClinVar (database versions not stated): gnomAD exomes below 0.00001.
gnomAD v4.1: 5 of 1,612,046 alleles (0.00031%); highest among the groups gnomAD compares: Non-Finnish European, 0.00042%; no homozygotes.

Submissions (3):

Ambry Genetics
Classification: Uncertain significance for Cardiovascular phenotype. Last evaluated: 2026-05-12. Review status: criteria provided, single submitter. Criteria: Ambry Variant Classification Scheme 2023. Collection method: clinical testing. Allele origin: germline.
Comment: The p.V635A variant (also known as c.1904T>C) is located in coding exon 15 of the DSP gene. The valine at codon 635 is replaced by alanine, an amino acid with similar properties. This change occurs in the first base pair of coding exon 15. This amino acid position is highly conserved in available vertebrate species. In addition, this alteration is predicted to be tolerated by in silico analysis. Based on the available evidence, the clinical significance of this variant remains unclear.

Labcorp Genetics (formerly Invitae), Labcorp
Classification: Uncertain significance for Arrhythmogenic cardiomyopathy with wooly hair and keratoderma; Arrhythmogenic right ventricular dysplasia 8. Last evaluated: 2025-09-20. Review status: criteria provided, single submitter. Criteria: Invitae Variant Classification Sherloc (09022015). Collection method: clinical testing. Allele origin: germline.
Comment: This sequence change replaces valine, which is neutral and non-polar, with alanine, which is neutral and non-polar, at codon 635 of the DSP protein (p.Val635Ala). This variant is not present in population databases (gnomAD no frequency). This variant has not been reported in the literature in individuals affected with DSP-related conditions. ClinVar contains an entry for this variant (Variation ID: 2923869). An algorithm developed to predict the effect of missense changes on protein structure and function (PolyPhen-2) suggests that this variant is likely to be tolerated. In summary, the available evidence is currently insufficient to determine the role of this variant in disease. Therefore, it has been classified as a Variant of Uncertain Significance.

Blueprint Genetics
Classification: Uncertain significance. Last evaluated: 2024-02-05. Review status: criteria provided, single submitter. Criteria: ACMG Guidelines, 2015. Collection method: clinical testing. Allele origin: germline.